The following is an entry in ClinVar:

NM_002230.4(JUP):c.781_796del (p.Lys261fs)

Gene: JUP (junction plakoglobin; minus strand). Cytogenetic location: 17q21.2.
Variant type: Deletion.
Coding change: c.781_796del on transcript NM_002230.4 (MANE Select); coding-DNA positions 781 to 796, 16 bases deleted (AAGATGGCCGTGCGCC).
Protein change: p.Lys261fs; shifts the reading frame from lysine 261.
Molecular consequence: frameshift variant.
Genome position (GRCh38, 1-based): chr17:41,767,492-41,767,507, GGCGCACGGCCATCTT deleted on the plus strand (AAGATGGCCGTGCGCC on the coding strand, the reverse complement: JUP is on the minus strand); deleting any 16 consecutive bases within chr17:41,767,492-41,767,512 gives the same sequence; the c. name uses the placement nearest the transcript's 3' end. VCF-style (leftmost placement, unchanged base first): chr17-41767491-AGGCGCACGGCCATCTT-A. GRCh37 (hg19) VCF-style: chr17-39923743-AGGCGCACGGCCATCTT-A.
Other names: c.781_796del, p.Lys261fs (NM_001352773.2, NM_001352774.2, NM_001352775.2 and 3 more transcripts); short protein forms K261fs.
Identifiers: ClinVar variation 1073656 (VCV001073656.7), dbSNP rs2143651415, ClinGen allele CA2499224321.
Genomic context (GRCh38, chr17:41,767,491, plus strand): 5'-GCCAGGAACTTGGGGTTGTTCTTGTTGAGCAGGGGCACCATCTTTTGCAGCCCGTCGGCC[AGGCGCACGGCCATCTT>A]GGCGCCCTCCTGGTACAGGAGCAGGTTGTGCAGCGTGGTGATGGCATAGAACAGGACCGA-3'

ClinVar aggregate classification (germline): Pathogenic (1 of 4 stars; one submission).

Conditions:
Naxos disease (NXD). Also called: WOOLLY HAIR, PALMOPLANTAR KERATODERMA, AND CARDIAC ABNORMALITIES; MAL DE NAXOS; PALMOPLANTAR KERATODERMA WITH ARRHYTHMOGENIC RIGHT VENTRICULAR CARDIOMYOPATHY AND WOOLLY HAIR; CARDIOMYOPATHY, ARRHYTHMOGENIC RIGHT VENTRICULAR, WITH SKIN, HAIR, AND NAIL ABNORMALITIES; KERATOSIS PALMOPLANTARIS WITH ARRHYTHMOGENIC CARDIOMYOPATHY. Identifiers: Orphanet 34217, MedGen C1832600, MONDO:0011017, OMIM 601214.
Arrhythmogenic right ventricular dysplasia 12. Also called: ARRHYTHMOGENIC RIGHT VENTRICULAR DYSPLASIA, FAMILIAL, 12. Identifiers: MedGen C1969081, MONDO:0012684, OMIM 611528.

Submission:

Labcorp Genetics (formerly Invitae), Labcorp
Classification: Pathogenic for Arrhythmogenic right ventricular dysplasia 12; Naxos disease. Last evaluated: 2020-08-31. Review status: criteria provided, single submitter. Criteria: Invitae Variant Classification Sherloc (09022015). Collection method: clinical testing. Allele origin: germline.
Comment: For these reasons, this variant has been classified as Pathogenic. Loss-of-function variants in JUP are known to be pathogenic (PMID: 10902626). This variant has not been reported in the literature in individuals with JUP-related conditions. This variant is not present in population databases (ExAC no frequency). This sequence change creates a premature translational stop signal (p.Lys261Trpfs*39) in the JUP gene. It is expected to result in an absent or disrupted protein product.

Literature cited by the submitters: PubMed 10902626.